The following is an entry in ClinVar:

ClinVar aggregate classification (germline): Conflicting classifications of pathogenicity. Review status: criteria provided, conflicting classifications (1 of 4 stars). 2 submissions from 2 submitters: Uncertain significance (1); Likely benign (1). Last evaluated 2025-03-03.

Conditions:
BAP1-related tumor predisposition syndrome (TPDS1). Also called: Tumor susceptibility linked to germline BAP1 mutations; COMMON Syndrome; TUMOR PREDISPOSITION SYNDROME 1; BAP1 tumor predisposition syndrome. Identifiers: Orphanet 289539, MedGen C3280492, MONDO:0013692, OMIM 614327.
Hereditary cancer-predisposing syndrome. Also called: Tumor predisposition; Hereditary neoplastic syndrome; Hereditary Cancer Syndrome; Neoplastic Syndromes, Hereditary. Identifiers: Orphanet 140162, MedGen C0027672, MeSH D009386, MONDO:0015356.

Submissions (2):

Labcorp Genetics (formerly Invitae), Labcorp
Classification: Likely benign for BAP1-related tumor predisposition syndrome. Last evaluated: 2025-03-03. Review status: criteria provided, single submitter. Criteria: Invitae Variant Classification Sherloc (09022015). Collection method: clinical testing. Allele origin: germline.

Color Diagnostics, LLC DBA Color Health
Classification: Uncertain significance for Hereditary cancer-predisposing syndrome. Last evaluated: 2020-08-17. Review status: criteria provided, single submitter. Criteria: ACMG Guidelines, 2015. Collection method: clinical testing. Allele origin: germline.
Comment: This variant causes a deletion of four basepairs in intron 6 of the BAP1 gene. To our knowledge, functional studies have not been reported for this variant. This variant has not been reported in individuals affected with hereditary cancer in the literature. This variant has not been identified in the general population by the Genome Aggregation Database (gnomAD). The available evidence is insufficient to determine the role of this variant in disease conclusively. Therefore, this variant is classified as a Variant of Uncertain Significance.

NM_004656.4(BAP1):c.438-18_438-15del

Gene: BAP1 (BRCA1 associated deubiquitinase 1; minus strand). Cytogenetic location: 3p21.1.
Variant type: Deletion.
Coding change: c.438-18_438-15del on transcript NM_004656.4 (MANE Select); 18 bases into the intron before coding-DNA position 438 through 15 bases into the intron before coding-DNA position 438, 4 bases deleted (GACT; older notation c.438-18_438-15delGACT).
Molecular consequence: intron variant.
Genome position (GRCh38, 1-based): chr3:52,407,331-52,407,334, AGTC deleted on the plus strand (GACT on the coding strand, the reverse complement: BAP1 is on the minus strand); deleting any 4 consecutive bases within chr3:52,407,331-52,407,336 gives the same sequence; the c. name uses the placement nearest the transcript's 3' end. VCF-style (leftmost placement, unchanged base first): chr3-52407330-GAGTC-G. GRCh37 (hg19) VCF-style: chr3-52441346-GAGTC-G.
Identifiers: ClinVar variation 1171731 (VCV001171731.3), dbSNP rs2153227888, ClinGen allele CA2499216950.